The following is an entry in ClinVar:

ClinVar aggregate classification (germline): Uncertain significance (1 of 4 stars; one submission).

Conditions:
Familial adenomatous polyposis 1 (FAP1). Also called: FAMILIAL ADENOMATOUS POLYPOSIS 1, ATTENUATED; POLYPOSIS, ADENOMATOUS INTESTINAL. Identifiers: MedGen C2713442, MONDO:0021056, OMIM 175100. Disease mechanism: loss of function.

Submission:

Labcorp Genetics (formerly Invitae), Labcorp
Classification: Uncertain significance for Familial adenomatous polyposis 1. Last evaluated: 2025-11-05. Review status: criteria provided, single submitter. Criteria: Invitae Variant Classification Sherloc (09022015). Collection method: clinical testing. Allele origin: germline.
Comment: This sequence change replaces arginine, which is basic and polar, with glycine, which is neutral and non-polar, at codon 1048 of the APC protein (p.Arg1048Gly). This variant is not present in population databases (gnomAD no frequency). This variant has not been reported in the literature in individuals affected with APC-related conditions. Invitae Evidence Modeling of protein sequence and biophysical properties (such as structural, functional, and spatial information, amino acid conservation, physicochemical variation, residue mobility, and thermodynamic stability) indicates that this missense variant is not expected to disrupt APC protein function with a negative predictive value of 95%. In summary, the available evidence is currently insufficient to determine the role of this variant in disease. Therefore, it has been classified as a Variant of Uncertain Significance.

NM_000038.6(APC):c.3142A>G (p.Arg1048Gly)

Gene: APC (APC regulator of Wnt signaling pathway; plus strand). Cytogenetic location: 5q22.2.
Variant type: single nucleotide variant.
Coding change: c.3142A>G on transcript NM_000038.6 (MANE Select); coding-DNA position 3142, A replaced by G.
Protein change: p.Arg1048Gly; replaces arginine 1048 with glycine.
Molecular consequence: missense variant. On other transcripts: non-coding transcript variant (2).
Genome position (GRCh38, 1-based): chr5:112,838,736, A>G. VCF-style: chr5-112838736-A-G. GRCh37 (hg19) VCF-style: chr5-112174433-A-G.
Other names: c.3142A>G, p.Arg1048Gly (NM_001127510.3, NM_001354895.2, NM_001407450.1); c.3088A>G, p.Arg1030Gly (NM_001127511.3); c.3196A>G, p.Arg1066Gly (NM_001354896.2, NM_001407447.1, NM_001407448.1 and 1 more transcripts); c.3172A>G, p.Arg1058Gly (NM_001354897.2); c.3067A>G, p.Arg1023Gly (NM_001354898.2); c.3058A>G, p.Arg1020Gly (NM_001354899.2); c.3019A>G, p.Arg1007Gly (NM_001354900.2); c.2965A>G, p.Arg989Gly (NM_001354901.2, NM_001407453.1); and 11 more; short protein forms R1007G, R1020G, R1023G, R1030G, R1038G, R1041G, R1048G, R1058G.
Identifiers: ClinVar variation 4801462 (VCV004801462.1).